The following is an entry in ClinVar:

ClinVar aggregate classification (germline): Uncertain significance (1 of 4 stars; one submission).

Conditions:
Aortic aneurysm, familial thoracic 7 (AAT7). Also called: AORTIC DISSECTION, FAMILIAL, WITH OR WITHOUT AORTIC ANEURYSM. Identifiers: MedGen C3151077, MONDO:0013418, OMIM 613780.

Allele frequency attached by ClinVar (database versions not stated): TOPMed below 0.00001.

Submission:

Labcorp Genetics (formerly Invitae), Labcorp
Classification: Uncertain significance for Aortic aneurysm, familial thoracic 7. Last evaluated: 2023-10-31. Review status: criteria provided, single submitter. Criteria: Invitae Variant Classification Sherloc (09022015). Collection method: clinical testing. Allele origin: germline.
Comment: This sequence change replaces lysine, which is basic and polar, with glutamic acid, which is acidic and polar, at codon 321 of the MYLK protein (p.Lys321Glu). This variant is not present in population databases (gnomAD no frequency). This variant has not been reported in the literature in individuals affected with MYLK-related conditions. Advanced modeling of protein sequence and biophysical properties (such as structural, functional, and spatial information, amino acid conservation, physicochemical variation, residue mobility, and thermodynamic stability) performed at Invitae indicates that this missense variant is not expected to disrupt MYLK protein function with a negative predictive value of 95%. In summary, the available evidence is currently insufficient to determine the role of this variant in disease. Therefore, it has been classified as a Variant of Uncertain Significance.

NM_053025.4(MYLK):c.961A>G (p.Lys321Glu)

Gene: MYLK (myosin light chain kinase; minus strand). Cytogenetic location: 3q21.1.
Variant type: single nucleotide variant.
Coding change: c.961A>G on transcript NM_053025.4 (MANE Select); coding-DNA position 961, A replaced by G.
Protein change: p.Lys321Glu; replaces lysine 321 with glutamic acid.
Molecular consequence: missense variant.
Genome position (GRCh38, 1-based): chr3:123,734,035, T>C on the plus strand (A>G on the coding strand, the complement: MYLK is on the minus strand). VCF-style: chr3-123734035-T-C. GRCh37 (hg19) VCF-style: chr3-123452882-T-C.
Other names: c.433A>G, p.Lys145Glu (NM_001321309.2); c.961A>G, p.Lys321Glu (NM_053026.4, NM_053027.4, NM_053028.4); short protein forms K145E, K321E.
Identifiers: ClinVar variation 2892974 (VCV002892974.3), dbSNP rs1411016605, ClinGen allele CA354239781.